The following is an entry in ClinVar:

ClinVar aggregate classification (germline): Benign/Likely benign. Review status: criteria provided, multiple submitters, no conflicts (2 of 4 stars). 2 submissions from 2 submitters: Benign (1); Likely benign (1). Last evaluated 2026-05-01.

Conditions:
Hereditary sensory and autonomic neuropathy type 6. Also called: HSAN VI; Neuropathy, hereditary sensory and autonomic, type VI. Identifiers: Orphanet 314381, MedGen C3539003, MONDO:0013839, OMIM 614653.
Epidermolysis bullosa simplex 3, localized or generalized intermediate, with BP230 deficiency (EBS3). Also called: Epidermolysis bullosa simplex due to BP230 deficiency; Epidermolysis bullosa simplex, autosomal recessive 2. Identifiers: Orphanet 412181, MedGen C3809470, MONDO:0014180, OMIM 615425.

Allele frequency attached by ClinVar (database versions not stated): gnomAD exomes 0.00008 and 0.00016; ExAC 0.00026; ESP Exome Variant Server 0.00075; gnomAD 0.00089 and 0.00098; 1000 Genomes Project 0.00100; TOPMed 0.00103; 1000 Genomes Project 30x 0.00109.
gnomAD v4.1: 247 of 1,612,342 alleles (0.015%); highest among the groups gnomAD compares: African/African-American, 0.31%; no homozygotes.

Submissions (2):

CeGaT Center for Human Genetics Tuebingen
Classification: Likely benign. Last evaluated: 2026-05-01. Review status: criteria provided, single submitter. Criteria: CeGaT Center For Human Genetics Tuebingen Variant Classification Criteria Version 2. Collection method: clinical testing. Allele origin: germline. Affected: yes. Observed: 1 variant allele.
Comment: DST: BP4, BP7

Labcorp Genetics (formerly Invitae), Labcorp
Classification: Benign for Epidermolysis bullosa simplex 3, localized or generalized intermediate, with BP230 deficiency; Hereditary sensory and autonomic neuropathy type 6. Last evaluated: 2025-11-21. Review status: criteria provided, single submitter. Criteria: Invitae Variant Classification Sherloc (09022015). Collection method: clinical testing. Allele origin: germline.

NM_001374736.1(DST):c.19914A>G (p.Val6638=)

Gene: DST (dystonin; minus strand). Cytogenetic location: 6p12.1.
Variant type: single nucleotide variant.
Coding change: c.19914A>G on transcript NM_001374736.1 (MANE Select); coding-DNA position 19914, A replaced by G.
Protein change: p.Val6638=; no amino-acid change (valine 6638 retained).
Molecular consequence: synonymous variant.
Genome position (GRCh38, 1-based): chr6:56,498,036, T>C on the plus strand (A>G on the coding strand, the complement: DST is on the minus strand). VCF-style: chr6-56498036-T-C. GRCh37 (hg19) VCF-style: chr6-56362834-T-C.
Other names: c.13557A>G, p.Val4519= (NM_001144769.5); c.13143A>G, p.Val4381= (NM_001144770.2); c.19914A>G, p.Val6638= (NM_001374722.1); c.18954A>G, p.Val6318= (NM_001374729.1); c.12696A>G, p.Val4232= (NM_001374730.1); c.19941A>G, p.Val6647= (NM_001374734.1); c.13023A>G, p.Val4341= (NM_001386100.1, NM_183380.4); c.12045A>G, p.Val4015= (NM_015548.5).
Identifiers: ClinVar variation 1167618 (VCV001167618.11), dbSNP rs146096896, ClinGen allele CA3866879.